The following is an entry in ClinVar:

NM_001378457.1(DMXL2):c.2659C>T (p.Pro887Ser)

Gene: DMXL2 (Dmx like 2; minus strand). Cytogenetic location: 15q21.2.
Variant type: single nucleotide variant.
Coding change: c.2659C>T on transcript NM_001378457.1 (MANE Select); coding-DNA position 2659, C replaced by T.
Protein change: p.Pro887Ser; replaces proline 887 with serine.
Molecular consequence: missense variant. On other transcripts: non-coding transcript variant (2).
Genome position (GRCh38, 1-based): chr15:51,507,239, G>A on the plus strand (C>T on the coding strand, the complement: DMXL2 is on the minus strand). VCF-style: chr15-51507239-G-A. GRCh37 (hg19) VCF-style: chr15-51799436-G-A.
Other names: c.2659C>T, p.Pro887Ser (NM_001174116.3, NM_001174117.3, NM_001378458.1 and 6 more transcripts); c.2419C>T, p.Pro807Ser (NM_001378464.1); short protein forms P807S, P887S.
Identifiers: ClinVar variation 2174171 (VCV002174171.2), dbSNP rs749357849, ClinGen allele CA7562286.

ClinVar aggregate classification (germline): Uncertain significance. Review status: criteria provided, multiple submitters, no conflicts (2 of 4 stars). 2 submissions from 2 submitters: Uncertain significance (2). Last evaluated 2023-03-07.

Allele frequency attached by ClinVar (database versions not stated): gnomAD 0.00001; ExAC 0.00002.
gnomAD v4.1: 18 of 1,609,902 alleles (0.0011%); highest among the groups gnomAD compares: Admixed American, 0.0017%; no homozygotes.

Submissions (2):

Blueprint Genetics
Classification: Uncertain significance. Last evaluated: 2023-03-07. Review status: criteria provided, single submitter. Criteria: ACMG Guidelines, 2015. Collection method: clinical testing. Allele origin: germline.

Labcorp Genetics (formerly Invitae), Labcorp
Classification: Uncertain significance. Last evaluated: 2022-02-25. Review status: criteria provided, single submitter. Criteria: Invitae Variant Classification Sherloc (09022015). Collection method: clinical testing. Allele origin: germline.
Comment: This sequence change replaces proline, which is neutral and non-polar, with serine, which is neutral and polar, at codon 887 of the DMXL2 protein (p.Pro887Ser). This variant is present in population databases (rs749357849, gnomAD 0.005%). This variant has not been reported in the literature in individuals affected with DMXL2-related conditions. Algorithms developed to predict the effect of missense changes on protein structure and function (SIFT, PolyPhen-2, Align-GVGD) all suggest that this variant is likely to be tolerated. In summary, the available evidence is currently insufficient to determine the role of this variant in disease. Therefore, it has been classified as a Variant of Uncertain Significance.